The following is an entry in ClinVar:

NM_005677.4(COLQ):c.366+1G>C

Gene: COLQ (collagen like tail subunit of asymmetric acetylcholinesterase; minus strand). Cytogenetic location: 3p25.1.
Variant type: single nucleotide variant.
Coding change: c.366+1G>C on transcript NM_005677.4 (MANE Select); the canonical splice donor site of the intron after coding-DNA position 366, G replaced by C.
Molecular consequence: splice donor variant.
Genome position (GRCh38, 1-based): chr3:15,479,337, C>G on the plus strand (G>C on the coding strand, the complement: COLQ is on the minus strand). VCF-style: chr3-15479337-C-G. GRCh37 (hg19) VCF-style: chr3-15520844-C-G.
Other names: c.264+1G>C (NM_080539.4); c.336+1G>C (NM_080538.2).
Identifiers: ClinVar variation 1509619 (VCV001509619.8), dbSNP rs2125123160, ClinGen allele CA351599996.

ClinVar aggregate classification (germline): Likely pathogenic (1 of 4 stars; one submission).

Conditions:
Congenital myasthenic syndrome 5. Identifiers: Orphanet 590, MedGen C1864233, MONDO:0011281, OMIM 603034.

Submission:

Labcorp Genetics (formerly Invitae), Labcorp
Classification: Likely pathogenic for Congenital myasthenic syndrome 5. Last evaluated: 2021-05-20. Review status: criteria provided, single submitter. Criteria: Invitae Variant Classification Sherloc (09022015). Collection method: clinical testing. Allele origin: germline.
Comment: This sequence change affects a donor splice site in intron 4 of the COLQ gene. It is expected to disrupt RNA splicing. Variants that disrupt the donor or acceptor splice site typically lead to a loss of protein function (PMID: 16199547), and loss-of-function variants in COLQ are known to be pathogenic (PMID: 22678886). This variant is not present in population databases (ExAC no frequency). This variant has not been reported in the literature in individuals with COLQ-related conditions. In summary, the currently available evidence indicates that the variant is pathogenic, but additional data are needed to prove that conclusively. Therefore, this variant has been classified as Likely Pathogenic.

Literature cited by the submitters: PubMed 16199547; PubMed 22678886.